The following is an entry in ClinVar:

NM_144599.5(NIPA1):c.21_29del (p.Ala14_Ala16del)

Genes: NIPA1 (NIPA magnesium transporter 1; plus strand), LOC130056709 (ATAC-STARR-seq lymphoblastoid silent region 6259; plus strand). Cytogenetic location: 15q11.2.
Variant type: Deletion.
Coding change: c.21_29del on transcript NM_144599.5 (MANE Select); coding-DNA positions 21 to 29, 9 bases deleted (AGCGGCGGC; older notation c.21_29delAGCGGCGGC).
Protein change: p.Ala14_Ala16del.
Molecular consequence: inframe deletion. On other transcripts: intron variant (1).
Genome position (GRCh38, 1-based): chr15:22,786,677-22,786,685, AGCGGCGGC deleted; deleting any 9 consecutive bases within chr15:22,786,672-22,786,685 gives the same sequence; the c. name uses the placement nearest the transcript's 3' end. VCF-style (leftmost placement, unchanged base first): chr15-22786671-TGCGGCAGCG-T. GRCh37 (hg19) VCF-style: chr15-23086382-CGCCGCCGCT-C.
Other names: c.-48+429_-48+437del (NM_001142275.1).
Identifiers: ClinVar variation 1383396 (VCV001383396.8), dbSNP rs1555371599, ClinGen allele CA617083347.

ClinVar aggregate classification (germline): Uncertain significance (1 of 4 stars; one submission).

Conditions:
Hereditary spastic paraplegia 6 (SPG6). Also called: SPASTIC PARAPLEGIA 6, AUTOSOMAL DOMINANT. Identifiers: Orphanet 100988, MedGen C1838192, MONDO:0010878, OMIM 600363.

Submission:

Labcorp Genetics (formerly Invitae), Labcorp
Classification: Uncertain significance for Hereditary spastic paraplegia 6. Last evaluated: 2025-06-07. Review status: criteria provided, single submitter. Criteria: Invitae Variant Classification Sherloc (09022015). Collection method: clinical testing. Allele origin: germline.
Comment: This variant, c.21_29del, results in the deletion of 3 amino acid(s) of the NIPA1 protein (p.Ala14_Ala16del), but otherwise preserves the integrity of the reading frame. The frequency data for this variant in the population databases is considered unreliable, as metrics indicate poor data quality at this position in the gnomAD database. This variant has not been reported in the literature in individuals affected with NIPA1-related conditions. ClinVar contains an entry for this variant (Variation ID: 1383396). Experimental studies and prediction algorithms are not available or were not evaluated, and the functional significance of this variant is currently unknown. In summary, the available evidence is currently insufficient to determine the role of this variant in disease. Therefore, it has been classified as a Variant of Uncertain Significance.